The following is an entry in ClinVar:

NM_012471.3(TRPC5):c.2631G>T (p.Met877Ile)

Gene: TRPC5 (transient receptor potential cation channel subfamily C member 5; minus strand). Cytogenetic location: Xq23.
Variant type: single nucleotide variant.
Coding change: c.2631G>T on transcript NM_012471.3 (MANE Select); coding-DNA position 2631, G replaced by T.
Protein change: p.Met877Ile; replaces methionine 877 with isoleucine.
Molecular consequence: missense variant.
Genome position (GRCh38, 1-based): chrX:111,776,604, C>A on the plus strand (G>T on the coding strand, the complement: TRPC5 is on the minus strand). VCF-style: chrX-111776604-C-A. GRCh37 (hg19) VCF-style: chrX-111019832-C-A.
Other names: short protein forms M877I.
Identifiers: ClinVar variation 3357557 (VCV003357557.1).

ClinVar aggregate classification (germline): Uncertain significance (0 of 4 stars; one submission).

Conditions:
TRPC5-related disorder. Also called: TRPC5-related condition.

gnomAD v4.1: 14 of 1,210,335 alleles (0.0012%); highest among the groups gnomAD compares: African/African-American, 0.019%; no homozygotes.

Submission:

PreventionGenetics, part of Exact Sciences
Classification: Uncertain significance for TRPC5-related condition. Last evaluated: 2024-04-25. Review status: no assertion criteria provided. Collection method: clinical testing. Allele origin: germline.
Comment: The TRPC5 c.2631G>T variant is predicted to result in the amino acid substitution p.Met877Ile. To our knowledge, this variant has not been reported in the literature. This variant is reported in 0.016% of alleles in individuals of African descent in gnomAD. At this time, the clinical significance of this variant is uncertain due to the absence of conclusive functional and genetic evidence.